The following is an entry in ClinVar:

NM_006295.3(VARS1):c.859G>A (p.Gly287Arg)

Genes: VARS1 (valyl-tRNA synthetase 1; minus strand), LOC126859651 (CDK7 strongly-dependent group 2 enhancer GRCh37_chr6:31759783-31760982; plus strand). Cytogenetic location: 6p21.33.
Variant type: single nucleotide variant.
Coding change: c.859G>A on transcript NM_006295.3 (MANE Select); coding-DNA position 859, G replaced by A.
Protein change: p.Gly287Arg; replaces glycine 287 with arginine.
Molecular consequence: missense variant.
Genome position (GRCh38, 1-based): chr6:31,792,229, C>T on the plus strand (G>A on the coding strand, the complement: VARS1 is on the minus strand). VCF-style: chr6-31792229-C-T. GRCh37 (hg19) VCF-style: chr6-31760006-C-T.
Other names: NC_000006.11:g.31760006C>T; short protein forms G287R.
Identifiers: ClinVar variation 1305253 (VCV001305253.5), dbSNP rs763964925, ClinGen allele CA3723458.
Genomic context (GRCh38, chr6:31,792,229, plus strand): 5'-AACTTAGAAGGGGCTGCTGAGGGGTGAGCCCCTTCCCACTCCTAGTACCTTTCTTTTCCC[C>T]GGGTGGGGTTGGGAGGTCATAGGTAATGACCCCAGGATCCCGTTTCTCCCTCTTCTCTGG-3'
Protein context (NP_006286.1, residues 277-297): VITYDLPTPP[Gly287Arg]EKKDVSGPMP

ClinVar aggregate classification (germline): Uncertain significance. Review status: criteria provided, multiple submitters, no conflicts (2 of 4 stars). 2 submissions from 2 submitters: Uncertain significance (2). Last evaluated 2024-08-05.

Conditions:
Inborn genetic diseases. Identifiers: MedGen C0950123, MeSH D030342.

Allele frequency attached by ClinVar (database versions not stated): TOPMed below 0.00001.
gnomAD v4.1: 7 of 1,613,804 alleles (0.00043%); highest among the groups gnomAD compares: East Asian, 0.0022%; no homozygotes.

Submissions (3):

Ambry Genetics
Classification: Uncertain significance for Inborn genetic diseases. Last evaluated: 2024-08-05. Review status: criteria provided, single submitter. Criteria: Ambry Variant Classification Scheme 2023. Collection method: clinical testing. Allele origin: germline.

GeneDx
Classification: Uncertain significance. Last evaluated: 2019-04-16. Review status: criteria provided, single submitter. Criteria: GeneDx Variant Classification Process June 2021. Collection method: clinical testing. Allele origin: germline. Affected: yes.
Comment: In silico analysis, which includes protein predictors and evolutionary conservation, supports a deleterious effect; Has not been previously published as pathogenic or benign to our knowledge

Dr. Peter K. Rogan Lab, Western University
No classification provided (evidence only). Condition: Ovarian serous cystadenocarcinoma. Review status: no classification provided. Collection method: in vitro. Allele origin: not applicable. Functional consequence: retained intron. Not counted in ClinVar's aggregate classification.